The following is an entry in ClinVar:

ClinVar aggregate classification (germline): Likely pathogenic (1 of 4 stars; one submission).

Conditions:
Freeman-Sheldon syndrome (DA2A). Also called: Arthrogryposis, distal, type 2A (Freeman-Sheldon); CRANIOCARPOTARSAL DYSPLASIA; CRANIOCARPOTARSAL DYSTROPHY; WHISTLING FACE-WINDMILL VANE HAND SYNDROME. Identifiers: Orphanet 2053, MedGen C0265224, MONDO:0008675, OMIM 193700.
Arthrogryposis, distal, type 2B3. Also called: Arthrogryposis, distal, type 2B3 (Sheldon-Hall). Identifiers: MedGen C5193098, MONDO:0032751, OMIM 618436.
Contractures, pterygia, and spondylocarpotarsal fusion syndrome 1A (CPSFS1A). Also called: Contractures, pterygia, and variable skeletal fusions syndrome 1A; MULTIPLE PTERYGIUM SYNDROME, AUTOSOMAL DOMINANT; Distal arthrogryposis type 8. Identifiers: Orphanet 65743, MedGen C1867440, MONDO:0008338, OMIM 178110.

Submission:

Center for Human Genetics and Genomic Medicine, Uniklinik Rwth Aachen
Classification: Likely pathogenic for Freeman-Sheldon syndrome; Arthrogryposis, distal, type 2B3; Contractures, pterygia, and spondylocarpotarsal fusion syndrome 1A. Last evaluated: 2023-07-20. Review status: criteria provided, single submitter. Criteria: ACMG Guidelines, 2015. Collection method: clinical testing. Allele origin: de novo. Inheritance: Autosomal dominant inheritance. Affected: yes. Observed: 1 heterozygote.
Comment: The variant has not been identified in the general population (gnomAD). It has not yet been described in the literature or in the ClinVar and dbSNP151 databases. (as of 07/10/2023) DA2A and DA2B3 underlie heterozygous pathogenic missense variants in the domain of the myosin head and neck in most cases. Bioinformatically, the alteration is inconsistently classified as "probably disease-causing" (SIFT) or "benign" (PolyPhen2, mutation Taster). Therfore, the variant has been classified as "likely pathogenic" (ACMG criteria).

NM_002470.4(MYH3):c.703A>G (p.Lys235Glu)

Gene: MYH3 (myosin heavy chain 3; minus strand). Cytogenetic location: 17p13.1.
Variant type: single nucleotide variant.
Coding change: c.703A>G on transcript NM_002470.4 (MANE Select); coding-DNA position 703, A replaced by G.
Protein change: p.Lys235Glu; replaces lysine 235 with glutamic acid.
Molecular consequence: missense variant.
Genome position (GRCh38, 1-based): chr17:10,648,589, T>C on the plus strand (A>G on the coding strand, the complement: MYH3 is on the minus strand). VCF-style: chr17-10648589-T-C. GRCh37 (hg19) VCF-style: chr17-10551906-T-C.
Other names: short protein forms K235E.
Identifiers: ClinVar variation 2575060 (VCV002575060.2), dbSNP rs2508635033, ClinGen allele CA398109655.